The following is an entry in ClinVar:

NM_001378609.3(OTOGL):c.5341del (p.Ser1781fs)

Gene: OTOGL (otogelin like; plus strand). Cytogenetic location: 12q21.31.
Variant type: Deletion.
Coding change: c.5341del on transcript NM_001378609.3 (MANE Select); coding-DNA position 5341, one base deleted (T; older notation c.5341delT).
Protein change: p.Ser1781fs; shifts the reading frame from serine 1781.
Molecular consequence: frameshift variant.
Genome position (GRCh38, 1-based): chr12:80,352,370, T deleted; the last of 3 consecutive T bases (chr12:80,352,368-80,352,370); deleting any one gives the same sequence. VCF-style (leftmost placement, unchanged base first): chr12-80352367-CT-C. GRCh37 (hg19) VCF-style: chr12-80746147-CT-C.
Other names: c.5314delT (NM_173591.3); c.5206del, p.Ser1736fs (NM_001368062.3); c.5341del, p.Ser1781fs (NM_001378610.3, NM_173591.7); short protein forms S1736fs, S1781fs.
Identifiers: ClinVar variation 505326 (VCV000505326.5), dbSNP rs772723774, ClinGen allele CA6701678.
Genomic context (GRCh38, chr12:80,352,367, plus strand): 5'-GACTTTTGTGAAAAGATGTGGATCAATTATACCTATTTTTGGAACTATGAATGTGATGCA[CT>C]TTCTGCATATGTGGCTCTGTGCAACAAGTTTGATATCTGTATTCAGTGGAGAACACCTGA-3'

ClinVar aggregate classification (germline): Pathogenic (1 of 4 stars; one submission).

Conditions:
Rare genetic deafness. Identifiers: Orphanet 96210, MedGen C5680250.

Submission:

Laboratory for Molecular Medicine, Mass General Brigham Personalized Medicine
Classification: Pathogenic for Rare genetic deafness. Last evaluated: 2016-09-08. Review status: criteria provided, single submitter. Criteria: LMM Criteria. Collection method: clinical testing. Allele origin: germline. Inheritance: Autosomal recessive inheritance. Observed: 1 variant allele.
Comment: The p.Ser1772fs variant in OTOGL has not been previously reported in individuals with hearing loss, but has been identified in 1/65028 European chromosomes by t he Exome Aggregation Consortium (ExAC; dbSNP rs7 72723774). Although this variant has been seen in the general population, its fr equency is low enough to be consistent with a recessive carrier frequency. This variant is predicted to cause a frameshift, which alters the protein?s amino aci d sequence beginning at position 1772 and leads to a premature termination codon 24 amino acids downstream, which is predicted to lead to a truncated or absent protein. Loss of function of the OTOGL gene is an established disease mechanism in autosomal recessive hearing loss. In summary, this variant meets criteria to be classified as pathogenic for hearing loss in an autosomal recessive manner ba sed on the predicted impact of the variant.